The following is an entry in ClinVar:

NM_001369.3(DNAH5):c.3719A>G (p.Asn1240Ser)

Genes: DNAH5 (dynein axonemal heavy chain 5; minus strand), DNAH5-AS1 (DNAH5 antisense RNA 1; plus strand). Cytogenetic location: 5p15.2.
Variant type: single nucleotide variant.
Coding change: c.3719A>G on transcript NM_001369.3 (MANE Select); coding-DNA position 3719, A replaced by G.
Protein change: p.Asn1240Ser; replaces asparagine 1240 with serine.
Molecular consequence: missense variant.
Genome position (GRCh38, 1-based): chr5:13,870,882, T>C on the plus strand (A>G on the coding strand, the complement: DNAH5 is on the minus strand). VCF-style: chr5-13870882-T-C. GRCh37 (hg19) VCF-style: chr5-13870991-T-C.
Other names: short protein forms N1240S.
Identifiers: ClinVar variation 4739165 (VCV004739165.1).

ClinVar aggregate classification (germline): Uncertain significance (1 of 4 stars; one submission).

Conditions:
Primary ciliary dyskinesia. Also called: Ciliary dyskinesia. Identifiers: Orphanet 244, MedGen C0008780, MONDO:0016575, HP:0012265.

gnomAD v4.1: 10 of 1,613,912 alleles (0.00062%); highest among the groups gnomAD compares: African/African-American, 0.004%; no homozygotes.

Submission:

Labcorp Genetics (formerly Invitae), Labcorp
Classification: Uncertain significance for Primary ciliary dyskinesia. Last evaluated: 2026-01-06. Review status: criteria provided, single submitter. Criteria: Invitae Variant Classification Sherloc (09022015). Collection method: clinical testing. Allele origin: germline.
Comment: This sequence change replaces asparagine, which is neutral and polar, with serine, which is neutral and polar, at codon 1240 of the DNAH5 protein (p.Asn1240Ser). This variant is not present in population databases (gnomAD no frequency). This variant has not been reported in the literature in individuals affected with DNAH5-related conditions. Invitae Evidence Modeling of protein sequence and biophysical properties (such as structural, functional, and spatial information, amino acid conservation, physicochemical variation, residue mobility, and thermodynamic stability) indicates that this missense variant is not expected to disrupt DNAH5 protein function with a negative predictive value of 95%. In summary, the available evidence is currently insufficient to determine the role of this variant in disease. Therefore, it has been classified as a Variant of Uncertain Significance.